The following is an entry in ClinVar:

ClinVar aggregate classification (germline): Pathogenic (1 of 4 stars; one submission).

Conditions:
Autosomal recessive polycystic kidney disease (ARPKD). Also called: AR polycystic kidney disease. Identifiers: Orphanet 731, Orphanet 8378, MedGen C0085548, MeSH D017044, MONDO:0009889.

Submission:

Labcorp Genetics (formerly Invitae), Labcorp
Classification: Pathogenic for Autosomal recessive polycystic kidney disease. Last evaluated: 2019-08-23. Review status: criteria provided, single submitter. Criteria: Invitae Variant Classification Sherloc (09022015). Collection method: clinical testing. Allele origin: germline.
Comment: This sequence change affects an acceptor splice site in intron 52 and is expected to disrupt mRNA splicing. Consensus splice site changes in PKHD1 are known to be pathogenic (PMID: 15805161). This particular sequence change has not been reported in the literature. Furthermore, family studies established that it occurred in trans with a known pathogenic variant. For these reasons, this sequence change has been classified as Pathogenic.

Literature cited by the submitters: PubMed 15805161.

NM_138694.4(PKHD1):c.8303-1G>A

Gene: PKHD1 (PKHD1 ciliary IPT domain containing fibrocystin/polyductin; minus strand). Cytogenetic location: 6p12.3.
Variant type: single nucleotide variant.
Coding change: c.8303-1G>A on transcript NM_138694.4 (MANE Select); the canonical splice acceptor site of the intron before coding-DNA position 8303, G replaced by A.
Molecular consequence: splice acceptor variant.
Genome position (GRCh38, 1-based): chr6:51,791,374, C>T on the plus strand (G>A on the coding strand, the complement: PKHD1 is on the minus strand). VCF-style: chr6-51791374-C-T. GRCh37 (hg19) VCF-style: chr6-51656172-C-T.
Other names: c.8303-1G>A (NM_170724.3).
Identifiers: ClinVar variation 188368 (VCV000188368.11), dbSNP rs786204241, ClinGen allele CA334735.